The following is an entry in ClinVar:

ClinVar aggregate classification (germline): Uncertain significance (1 of 4 stars; one submission).

Allele frequency attached by ClinVar (database versions not stated): ExAC 0.00001; gnomAD 0.00001; gnomAD exomes 0.00001; TOPMed 0.00002.
gnomAD v4.1: 47 of 1,610,602 alleles (0.0029%); highest among the groups gnomAD compares: Non-Finnish European, 0.004%; no homozygotes.

Submission:

Labcorp Genetics (formerly Invitae), Labcorp
Classification: Uncertain significance. Last evaluated: 2024-10-17. Review status: criteria provided, single submitter. Criteria: Invitae Variant Classification Sherloc (09022015). Collection method: clinical testing. Allele origin: germline.
Comment: This sequence change replaces serine, which is neutral and polar, with alanine, which is neutral and non-polar, at codon 656 of the DZIP1L protein (p.Ser656Ala). This variant is present in population databases (rs771045432, gnomAD 0.002%). This variant has not been reported in the literature in individuals affected with DZIP1L-related conditions. ClinVar contains an entry for this variant (Variation ID: 1521468). An algorithm developed to predict the effect of missense changes on protein structure and function (PolyPhen-2) suggests that this variant is likely to be disruptive. In summary, the available evidence is currently insufficient to determine the role of this variant in disease. Therefore, it has been classified as a Variant of Uncertain Significance.

NM_173543.3(DZIP1L):c.1966T>G (p.Ser656Ala)

Gene: DZIP1L (DAZ interacting zinc finger protein 1 like; minus strand). Cytogenetic location: 3q22.3.
Variant type: single nucleotide variant.
Coding change: c.1966T>G on transcript NM_173543.3 (MANE Select); coding-DNA position 1966, T replaced by G.
Protein change: p.Ser656Ala; replaces serine 656 with alanine.
Molecular consequence: missense variant.
Genome position (GRCh38, 1-based): chr3:138,067,567, A>C on the plus strand (T>G on the coding strand, the complement: DZIP1L is on the minus strand). VCF-style: chr3-138067567-A-C. GRCh37 (hg19) VCF-style: chr3-137786409-A-C.
Other names: short protein forms S656A.
Identifiers: ClinVar variation 1521468 (VCV001521468.6), dbSNP rs771045432, ClinGen allele CA2634717.